The following is an entry in ClinVar:

NM_002691.4(POLD1):c.1284C>T (p.Cys428=)

Gene: POLD1 (DNA polymerase delta 1, catalytic subunit; plus strand). Cytogenetic location: 19q13.33.
Variant type: single nucleotide variant.
Coding change: c.1284C>T on transcript NM_002691.4 (MANE Select); coding-DNA position 1284, C replaced by T.
Protein change: p.Cys428=; no amino-acid change (cysteine 428 retained).
Molecular consequence: synonymous variant. On other transcripts: non-coding transcript variant (1).
Genome position (GRCh38, 1-based): chr19:50,406,223, C>T. VCF-style: chr19-50406223-C-T. GRCh37 (hg19) VCF-style: chr19-50909480-C-T.
Other names: c.1284C>T, p.Cys428= (NM_001256849.1, NM_001308632.1).
Identifiers: ClinVar variation 818793 (VCV000818793.13), dbSNP rs1601215350, ClinGen allele CA508304613.

ClinVar aggregate classification (germline): Benign/Likely benign. Review status: criteria provided, multiple submitters, no conflicts (2 of 4 stars). 3 submissions from 3 submitters: Benign (1); Likely benign (2). Last evaluated 2025-02-06.

Conditions:
POLD1-related polyposis and colorectal cancer syndrome (CRCS10). Also called: Colorectal cancer, susceptibility to, 10; Colorectal cancer 10; COLORECTAL CANCER, SUSCEPTIBILITY TO, ON CHROMOSOME 19q. Identifiers: Orphanet 220460, MedGen C2675481, MONDO:0012953, OMIM 612591.
Hereditary cancer-predisposing syndrome. Also called: Hereditary Cancer Syndrome; Hereditary neoplastic syndrome; Neoplastic Syndromes, Hereditary; Tumor predisposition. Identifiers: Orphanet 140162, MedGen C0027672, MeSH D009386, MONDO:0015356.

Submissions (3):

Myriad Genetics, Inc.
Classification: Benign for POLD1-related polyposis and colorectal cancer syndrome. Last evaluated: 2025-02-06. Review status: criteria provided, single submitter. Criteria: Myriad Autosomal Dominant, Autosomal Recessive and X-Linked Classification Criteria (2023). Collection method: clinical testing. Allele origin: unknown.
Comment: This variant is considered benign. This variant is a silent/synonymous amino acid change and it is not expected to impact splicing.

Labcorp Genetics (formerly Invitae), Labcorp
Classification: Likely benign for POLD1-related polyposis and colorectal cancer syndrome. Last evaluated: 2024-07-17. Review status: criteria provided, single submitter. Criteria: Invitae Variant Classification Sherloc (09022015). Collection method: clinical testing. Allele origin: germline.

Ambry Genetics
Classification: Likely benign for Hereditary cancer-predisposing syndrome. Last evaluated: 2019-09-23. Review status: criteria provided, single submitter. Criteria: Ambry Variant Classification Scheme 2023. Collection method: clinical testing. Allele origin: germline.